The following is an entry in ClinVar:

NM_001330078.2(NRXN1):c.3071-284G>A

Gene: NRXN1 (neurexin 1; minus strand). Cytogenetic location: 2p16.3.
Variant type: single nucleotide variant.
Coding change: c.3071-284G>A on transcript NM_001330078.2 (MANE Select); 284 bases into the intron before coding-DNA position 3071, G replaced by A.
Molecular consequence: intron variant.
Genome position (GRCh38, 1-based): chr2:50,472,755, C>T on the plus strand (G>A on the coding strand, the complement: NRXN1 is on the minus strand). VCF-style: chr2-50472755-C-T. GRCh37 (hg19) VCF-style: chr2-50699893-C-T.
Other names: c.2960-284G>A (NM_001330096.2, NM_001330087.2); c.3005-284G>A (NM_001330083.2, NM_001330084.2); c.2990-284G>A (NM_001330088.2); c.3068-284G>A (NM_001330093.2); c.3059-284G>A (NM_001330094.2); c.3020-284G>A (NM_001330095.2); c.3047-284G>A (NM_001330082.2, NM_001330077.2); c.3044-284G>A (NM_001330085.2); and 2 more.
Identifiers: ClinVar variation 668652 (VCV000668652.1), dbSNP rs2075232, ClinGen allele CA16097642.

ClinVar aggregate classification (germline): Benign (1 of 4 stars; one submission).

Allele frequency attached by ClinVar (database versions not stated): TOPMed 0.20519; 1000 Genomes Project 0.24561; 1000 Genomes Project 30x 0.24969.
gnomAD v4.1: 29,302 of 150,088 alleles (20%); highest among the groups gnomAD compares: East Asian, 40%; 3,860 homozygotes.

Submission:

GeneDx
Classification: Benign. Last evaluated: 2018-06-18. Review status: criteria provided, single submitter. Criteria: GeneDx Variant Classification (06012015). Collection method: clinical testing. Allele origin: germline. Affected: yes.
Comment: This variant is considered likely benign or benign based on one or more of the following criteria: it is a conservative change, it occurs at a poorly conserved position in the protein, it is predicted to be benign by multiple in silico algorithms, and/or has population frequency not consistent with disease.